The following is an entry in ClinVar:

ClinVar aggregate classification (germline): Pathogenic. Review status: reviewed by expert panel (3 of 4 stars). 10 submissions from 10 submitters: Pathogenic (1). 9 of the submissions do not count toward it. Last evaluated 2025-01-09.

Conditions:
Autosomal recessive limb-girdle muscular dystrophy. Identifiers: Orphanet 102015, MedGen C2931907, MONDO:0015152.
Autosomal recessive limb-girdle muscular dystrophy type 2E (LGMDR4). Also called: MUSCULAR DYSTROPHY, LIMB-GIRDLE, AUTOSOMAL RECESSIVE 4. Identifiers: Orphanet 119, MedGen C1858593, MONDO:0011423, OMIM 604286. Disease mechanism: Affects gamma-sarcoglycan and also disrupts the integrity of the entire sarcoglycan complex..
Inborn genetic diseases. Identifiers: MedGen C0950123, MeSH D030342.

Allele frequency attached by ClinVar (database versions not stated): gnomAD 0.00001; gnomAD exomes 0.00001 and 0.00002; TOPMed 0.00001; ExAC 0.00003; 1000 Genomes Project 30x 0.00016; 1000 Genomes Project 0.00020.
gnomAD v4.1: 19 of 1,613,656 alleles (0.0012%); highest among the groups gnomAD compares: South Asian, 0.011%; no homozygotes.

Submissions (10):

ClinGen Limb Girdle Muscular Dystrophy Variant Curation Expert Panel, ClinGen
Classification: Pathogenic for Autosomal recessive limb-girdle muscular dystrophy. Last evaluated: 2025-01-09. Review status: reviewed by expert panel. Criteria: ClinGen LGMD VCEP ACMG Specifications SGCB V1.0.0. Collection method: curation. Allele origin: germline. Inheritance: Autosomal recessive inheritance.
Comment: The NM_000232.5: c.271C>T variant in SGCB is a missense variant predicted to cause substitution of arginine by cysteine at amino acid 91 p.(Arg91Cys). This variant has been detected in at least five individuals with signs of limb girdle muscular dystrophy, including in a homozygous state in families from the Plain community (0.5 pts; PMID: 35416532, 9565988) and confirmed in trans with a pathogenic variant in two cases (c.85A>T p.(Arg29Ter), 2.0 pts, PMID: 17994539, 11369190) (PM3_Strong). At least one patient with this variant was clinically suspected to have limb girdle muscular dystrophy and displayed severely reduced expression of β-sarcoglycan in skeletal muscle, which is highly specific for SGCB-related LGMD (PMID: 11369190); however, the presence of potentially diagnostic variants in all of the other three sarcoglycan genes was not ruled out (PP4). The variant has also been reported to segregate with LGMD in at least two affected family members from two nuclear Plain community families (PP1_Moderate; PMID: 9565988). The filtering allele frequency of this variant is 0.0002533 for South Asian exome chromosomes by gnomAD v2.1.1 (the upper threshold of the 95% CI of 3/30614), which is higher than the ClinGen LGMD VCEP threshold (<0.00009) for PM2_Supporting and therefore this criterion is not met. Expression of p.Arg91Cys in β-sarcoglycan in vitro has been shown to disrupt localization of the sarcoglycan complex to the plasma membrane, indicating an impact of the c.271C>T p.(Arg91Cys) variant on protein function (PMID: 37317968) (PS3_Moderate). The computational predictor REVEL gives a score of 0.95, which is above the LGMD VCEP threshold of 0.70, evidence that correlates with impact to SGCB function (PP3). In summary, this variant meets the criteria to be classified as Pathogenic for autosomal recessive limb-girdle muscular dystrophy based on the ACMG/AMP criteria applied, as specified by the ClinGen LGMD VCEP (LGMD VCEP specifications version 1.0.0; 01/09/2025): PM3_Strong, PP4, PP1_Moderate, PS3_Moderate, PP3.

Labcorp Genetics (formerly Invitae), Labcorp
Classification: Pathogenic for Autosomal recessive limb-girdle muscular dystrophy type 2E. Last evaluated: 2025-12-15. Review status: criteria provided, single submitter. Criteria: Invitae Variant Classification Sherloc (09022015). Collection method: clinical testing. Allele origin: germline. Not counted in ClinVar's aggregate classification.
Comment: This sequence change replaces arginine, which is basic and polar, with cysteine, which is neutral and slightly polar, at codon 91 of the SGCB protein (p.Arg91Cys). This variant is present in population databases (rs555514820, gnomAD 0.01%). This missense change has been observed in individuals with limb-girdle muscular dystrophy (PMID: 9565988, 17994539). It has also been observed to segregate with disease in related individuals. ClinVar contains an entry for this variant (Variation ID: 499193). Invitae Evidence Modeling of protein sequence and biophysical properties (such as structural, functional, and spatial information, amino acid conservation, physicochemical variation, residue mobility, and thermodynamic stability) indicates that this missense variant is not expected to disrupt SGCB protein function with a negative predictive value of 80%. Experimental studies have shown that this missense change does not substantially affect SGCB function (PMID: 22095924). This variant disrupts the p.Arg91 amino acid residue in SGCB. Other variant(s) that disrupt this residue have been observed in individuals with SGCB-related conditions (PMID: 8968749, 9631401), which suggests that this may be a clinically significant amino acid residue. For these reasons, this variant has been classified as Pathogenic.

Natera, Inc.
Classification: Pathogenic for Limb-girdle muscular dystrophy type 2E. Last evaluated: 2025-03-21. Review status: criteria provided, single submitter. Criteria: Natera Variant Classification Schema (03/2026). Collection method: clinical testing. Allele origin: germline. Not counted in ClinVar's aggregate classification.
Comment: The c.271C>T variant in SGCB is a missense variant predicted to cause substitution of arginine to cysteine at amino acid 91. This variant is rare in the general population with a frequency below the threshold expected for the associated phenotype(s). This variant has been observed in one or more individuals affected with the associated recessive disease, as either homozygous or compound heterozygous with a second variant (PMID: 35416532, 11369190, 9565988). Additionally, this variant has been observed to segregate in affected family members (PMID: 9565988). Given the available evidence, this variant is classified as Pathogenic.

Fulgent Genetics
Classification: Pathogenic for Autosomal recessive limb-girdle muscular dystrophy type 2E. Last evaluated: 2024-04-12. Review status: criteria provided, single submitter. Criteria: ACMG Guidelines, 2015. Collection method: clinical testing. Allele origin: germline. Not counted in ClinVar's aggregate classification.

Revvity Omics, Revvity
Classification: Pathogenic for Autosomal recessive limb-girdle muscular dystrophy type 2E. Last evaluated: 2024-03-28. Review status: criteria provided, single submitter. Criteria: ACMG Guidelines, 2015. Collection method: clinical testing. Allele origin: germline. Not counted in ClinVar's aggregate classification.

Women's Health and Genetics/Laboratory Corporation of America, LabCorp
Classification: Pathogenic for Autosomal recessive limb-girdle muscular dystrophy. Last evaluated: 2021-10-04. Review status: criteria provided, single submitter. Criteria: LabCorp Variant Classification Summary - May 2015. Collection method: clinical testing. Allele origin: germline. Not counted in ClinVar's aggregate classification.
Comment: Variant summary: SGCB c.271C>T (p.Arg91Cys) results in a non-conservative amino acid change in the encoded protein sequence. Five of five in-silico tools predict a damaging effect of the variant on protein function. The variant allele was found at a frequency of 2e-05 in 251452 control chromosomes. c.271C>T has been reported in the literature as a compound heterozygous or homozygous genotype in multiple individuals affected with Limb-Girdle Muscular Dystrophy, Autosomal Recessive (example, Duclos_1998, Guglieri_2008, Magri_2015). These data indicate that the variant is very likely to be associated with disease. At least one publication reports experimental evidence evaluating an impact on protein function by confocal immunofluorescence analysis of non-permeabilized cells and classifies this variant as a class I - mutation that did not affect the membrane localization of Sarcoglycan B (Soheilli_2012). Five clinical diagnostic laboratories have submitted clinical-significance assessments for this variant to ClinVar after 2014 without evidence for independent evaluation. All laboratories classified the variant as pathogenic/likely pathogenic. Based on the evidence outlined above, the variant was classified as pathogenic.

Eurofins Ntd Llc (ga)
Classification: Likely pathogenic. Last evaluated: 2018-09-14. Review status: criteria provided, single submitter. Criteria: EGL ClinVar v180209 classification definitions. Collection method: clinical testing. Allele origin: germline. Observed: 2 variant alleles, 2 heterozygotes. Not counted in ClinVar's aggregate classification.

Ambry Genetics
Classification: Pathogenic for Inborn genetic diseases. Last evaluated: 2018-02-01. Review status: criteria provided, single submitter. Criteria: Ambry exome assertion method (8-5-2015). Collection method: clinical testing. Allele origin: germline. Affected: yes. Observed: 1 variant allele. Not counted in ClinVar's aggregate classification.

Kasturba Medical College, Manipal, Kasturba Medical College, Manipal, Manipal Academy of Higher Education, Manipal, India
Classification: Pathogenic for Autosomal recessive limb-girdle muscular dystrophy type 2E. Review status: criteria provided, single submitter. Criteria: ACMG Guidelines, 2015. Collection method: research. Allele origin: paternal. Inheritance: Autosomal recessive inheritance. Affected: yes. Observed: 1 heterozygote. Not counted in ClinVar's aggregate classification.
Comment: The known missense variant, c.271C>T was found in a heterozygous state in the father (Cagliani, R., et al., 2001). It is identified in 19 heterozygous individuals and no homozygous individuals in gnomAD v4.1.0. This variant is also seen in five individuals within our in-house database of 3557 exomes. It is classified as pathogenic in the ClinVar database (ClinVar ID: VCV000499193.23) and is associated with autosomal recessive limb girdle muscular dystrophy

Counsyl
Classification: Likely pathogenic for Autosomal recessive limb-girdle muscular dystrophy type 2E. Last evaluated: 2017-04-17. Review status: no assertion criteria provided. Collection method: clinical testing. Allele origin: unknown. Not counted in ClinVar's aggregate classification.

Literature cited by the submitters: PubMed 22095924 (cited by 6 submitters); PubMed 9565988 (cited by 6 submitters); PubMed 17994539 (cited by 3 submitters); PubMed 8968749 (cited by Labcorp Genetics (formerly Invitae), Labcorp); PubMed 9631401 (cited by Labcorp Genetics (formerly Invitae), Labcorp); PubMed 35416532 (cited by Natera, Inc.); PubMed 11369190 (cited by 3 submitters); PubMed 26404900 (cited by Women's Health and Genetics/Laboratory Corporation of America, LabCorp); PubMed 26206375 (cited by Counsyl).

NM_000232.5(SGCB):c.271C>T (p.Arg91Cys)

Gene: SGCB (sarcoglycan beta; minus strand). Cytogenetic location: 4q12.
Variant type: single nucleotide variant.
Coding change: c.271C>T on transcript NM_000232.5 (MANE Select); coding-DNA position 271, C replaced by T.
Protein change: p.Arg91Cys; replaces arginine 91 with cysteine.
Molecular consequence: missense variant.
Genome position (GRCh38, 1-based): chr4:52,029,836, G>A on the plus strand (C>T on the coding strand, the complement: SGCB is on the minus strand). VCF-style: chr4-52029836-G-A. GRCh37 (hg19) VCF-style: chr4-52896002-G-A.
Other names: NM_000232.5(SGCB):c.271C>T; p.Arg91Cys; short protein forms R91C.
Identifiers: ClinVar variation 499193 (VCV000499193.29), dbSNP rs555514820, ClinGen allele CA2918445.